The following is an entry in ClinVar:

ClinVar aggregate classification (germline): Likely pathogenic (1 of 4 stars; one submission).

Conditions:
Joubert syndrome. Also called: JOUBERT-BOLTSHAUSER SYNDROME; Familial aplasia of the vermis. Identifiers: Orphanet 475, MedGen C5979921, MONDO:0018772.
Meckel-Gruber syndrome. Also called: DYSENCEPHALIA SPLANCHNOCYSTICA; GRUBER SYNDROME; Dysencephalia splachnocystica. Identifiers: Orphanet 564, MedGen C0265215, MONDO:0018921.

Submission:

Labcorp Genetics (formerly Invitae), Labcorp
Classification: Likely pathogenic for Joubert syndrome; Meckel-Gruber syndrome. Last evaluated: 2023-12-01. Review status: criteria provided, single submitter. Criteria: Invitae Variant Classification Sherloc (09022015). Collection method: clinical testing. Allele origin: germline.
Comment: This sequence change affects a donor splice site in intron 31 of the CC2D2A gene. It is expected to disrupt RNA splicing. Variants that disrupt the donor or acceptor splice site typically lead to a loss of protein function (PMID: 16199547), and loss-of-function variants in CC2D2A are known to be pathogenic (PMID: 19777577). This variant is not present in population databases (gnomAD no frequency). This variant has not been reported in the literature in individuals affected with CC2D2A-related conditions. Algorithms developed to predict the effect of sequence changes on RNA splicing suggest that this variant may disrupt the consensus splice site. In summary, the currently available evidence indicates that the variant is pathogenic, but additional data are needed to prove that conclusively. Therefore, this variant has been classified as Likely Pathogenic.

Literature cited by the submitters: PubMed 16199547; PubMed 19777577.

NM_001378615.1(CC2D2A):c.3975+1G>T

Genes: CC2D2A (coiled-coil and C2 domain containing 2A; plus strand), FBXL5 (F-box and leucine rich repeat protein 5; minus strand). Cytogenetic location: 4p15.32.
Variant type: single nucleotide variant.
Coding change: c.3975+1G>T on transcript NM_001378615.1 (MANE Select); the canonical splice donor site of the intron after coding-DNA position 3975, G replaced by T.
Molecular consequence: splice donor variant.
Genome position (GRCh38, 1-based): chr4:15,580,172, G>T. VCF-style: chr4-15580172-G-T. GRCh37 (hg19) VCF-style: chr4-15581795-G-T.
Other names: c.3975+1G>T (NM_001080522.2); c.3828+1G>T (NM_001378617.1).
Identifiers: ClinVar variation 2938833 (VCV002938833.3), dbSNP rs1553842818, ClinGen allele CA356426792.